The following is an entry in ClinVar:

NM_017570.5(OPLAH):c.1924A>T (p.Ser642Cys)

Gene: OPLAH (5-oxoprolinase, ATP-hydrolysing; minus strand). Cytogenetic location: 8q24.3.
Variant type: single nucleotide variant.
Coding change: c.1924A>T on transcript NM_017570.5 (MANE Select); coding-DNA position 1924, A replaced by T.
Protein change: p.Ser642Cys; replaces serine 642 with cysteine.
Molecular consequence: missense variant.
Genome position (GRCh38, 1-based): chr8:144,056,444, T>A on the plus strand (A>T on the coding strand, the complement: OPLAH is on the minus strand). VCF-style: chr8-144056444-T-A. GRCh37 (hg19) VCF-style: chr8-145111347-T-A.
Other names: c.1924A>T (NM_017570.4); short protein forms S642C.
Identifiers: ClinVar variation 2044071 (VCV002044071.5), dbSNP rs141154641, ClinGen allele CA4931658.
Genomic context (GRCh38, chr8:144,056,444, plus strand): 5'-CCTTGTCCACCCGGGGAGGCCCGGTCTGGGCTTTGGGGGCATCCTCGAGGCGAAGACCAC[T>A]GCGGCCGGTGCCCCGCACTCGCACATCGTCCACGACCACCGGCCGCTCAGGTATGACAAA-3'
Protein context (NP_060040.1, residues 632-652): DDVRVRGTGR[Ser642Cys]GLRLEDAPKA

ClinVar aggregate classification (germline): Likely benign. Review status: criteria provided, multiple submitters, no conflicts (2 of 4 stars). 2 submissions from 2 submitters: Likely benign (2). Last evaluated 2026-06-23.

Conditions:
OPLAH-related disorder. Also called: OPLAH-related condition.
5-Oxoprolinase deficiency (OPLAHD). Also called: 5-OXOPROLINURIA DUE TO 5-OXOPROLINASE DEFICIENCY. Identifiers: Orphanet 33572, MedGen C0268525, MONDO:0009825, OMIM 260005, HP:0040142.

Allele frequency attached by ClinVar (database versions not stated): ExAC 0.00048; ESP Exome Variant Server 0.00106; 1000 Genomes Project 0.00160; 1000 Genomes Project 30x 0.00187.
gnomAD v4.1: 440 of 1,610,458 alleles (0.027%); highest among the groups gnomAD compares: African/African-American, 0.48%; 3 homozygotes.

Submissions (2):

PreventionGenetics, part of Exact Sciences
Classification: Likely benign for OPLAH-related condition. Last evaluated: 2026-06-23. Review status: criteria provided, single submitter. Criteria: ACMG Guidelines, 2015. Collection method: clinical testing. Allele origin: germline.
Comment: This variant is classified as likely benign based on ACMG/AMP sequence variant interpretation guidelines (Richards et al. 2015 PMID: 25741868, with internal and published modifications).

Labcorp Genetics (formerly Invitae), Labcorp
Classification: Likely benign for 5-Oxoprolinase deficiency. Last evaluated: 2026-01-16. Review status: criteria provided, single submitter. Criteria: Invitae Variant Classification Sherloc (09022015). Collection method: clinical testing. Allele origin: germline.